The following is an entry in ClinVar:

NM_014994.3(MAPKBP1):c.3832C>T (p.Pro1278Ser)

Gene: MAPKBP1 (mitogen-activated protein kinase binding protein 1; plus strand). Cytogenetic location: 15q15.1.
Variant type: single nucleotide variant.
Coding change: c.3832C>T on transcript NM_014994.3 (MANE Select); coding-DNA position 3832, C replaced by T.
Protein change: p.Pro1278Ser; replaces proline 1278 with serine.
Molecular consequence: missense variant. On other transcripts: non-coding transcript variant (2), intron variant (1).
Genome position (GRCh38, 1-based): chr15:41,823,680, C>T. VCF-style: chr15-41823680-C-T. GRCh37 (hg19) VCF-style: chr15-42115878-C-T.
Other names: c.3850C>T, p.Pro1284Ser (NM_001128608.2); c.3382+674C>T (NM_001265611.2); short protein forms P1278S, P1284S.
Identifiers: ClinVar variation 2058396 (VCV002058396.5), dbSNP rs2551107582, ClinGen allele CA391877505.
Genomic context (GRCh38, chr15:41,823,680, plus strand): 5'-GTTGGGGAGAACCTGGGCCTGGTGGCTGAACCTCAAGCTCATGCCCCCATCCGAGTCTCA[C>T]CACTCAGCAAGCTGGCCCTGCCCAGCCGGGCTCACCTGGTCCTGGACATCCCCAAACCAC-3'
Protein context (NP_055809.2, residues 1268-1288): PQAHAPIRVS[Pro1278Ser]LSKLALPSRA

ClinVar aggregate classification (germline): Uncertain significance. Review status: criteria provided, multiple submitters, no conflicts (2 of 4 stars). 2 submissions from 2 submitters: Uncertain significance (2). Last evaluated 2024-10-09.

Submissions (2):

Blueprint Genetics
Classification: Uncertain significance. Last evaluated: 2024-10-09. Review status: criteria provided, single submitter. Criteria: ACMG Guidelines, 2015. Collection method: clinical testing. Allele origin: germline.

Labcorp Genetics (formerly Invitae), Labcorp
Classification: Uncertain significance. Last evaluated: 2022-02-04. Review status: criteria provided, single submitter. Criteria: Invitae Variant Classification Sherloc (09022015). Collection method: clinical testing. Allele origin: germline.
Comment: In summary, the available evidence is currently insufficient to determine the role of this variant in disease. Therefore, it has been classified as a Variant of Uncertain Significance. Algorithms developed to predict the effect of missense changes on protein structure and function output the following: SIFT: "Tolerated"; PolyPhen-2: "Benign"; Align-GVGD: "Class C0". The serine amino acid residue is found in multiple mammalian species, which suggests that this missense change does not adversely affect protein function. This variant has not been reported in the literature in individuals affected with MAPKBP1-related conditions. This variant is not present in population databases (gnomAD no frequency). This sequence change replaces proline, which is neutral and non-polar, with serine, which is neutral and polar, at codon 1284 of the MAPKBP1 protein (p.Pro1284Ser).